The following is an entry in ClinVar:

NM_005045.4(RELN):c.9983+5C>A

Genes: RELN (reelin; minus strand), SLC26A5-AS1 (SLC26A5 antisense RNA 1; plus strand). Cytogenetic location: 7q22.1.
Variant type: single nucleotide variant.
Coding change: c.9983+5C>A on transcript NM_005045.4 (MANE Select); 5 bases into the intron after coding-DNA position 9983, C replaced by A.
Molecular consequence: intron variant.
Genome position (GRCh38, 1-based): chr7:103,486,192, G>T on the plus strand (C>A on the coding strand, the complement: RELN is on the minus strand). VCF-style: chr7-103486192-G-T. GRCh37 (hg19) VCF-style: chr7-103126639-G-T.
Other names: c.9983+5C>A (NM_173054.3).
Identifiers: ClinVar variation 1056641 (VCV001056641.9), dbSNP rs1210513203, ClinGen allele CA576952932.
Genomic context (GRCh38, chr7:103,486,192, plus strand): 5'-CAATGGACAATCACTGGGCTTGTGACTAATTCTATGTCTGGACTAAAATATGGAGGTTTG[G>T]GTACCTTGCTCGAGTGAGATCCAGAGGCTTGGTAGCTGCTTGCCTGATCTGACAGCCATT-3'

ClinVar aggregate classification (germline): Uncertain significance (1 of 4 stars; one submission).

Conditions:
Norman-Roberts syndrome (LIS2). Also called: Lissencephaly 2 (Norman-Roberts type). Identifiers: Orphanet 89844, MedGen C0796089, MONDO:0009760, OMIM 257320.
Familial temporal lobe epilepsy 7. Identifiers: Orphanet 101046, MedGen C4225327, MONDO:0014639, OMIM 616436.

Allele frequency attached by ClinVar (database versions not stated): gnomAD exomes below 0.00001.
gnomAD v4.1: 6 of 1,612,514 alleles (0.00037%); highest among the groups gnomAD compares: Non-Finnish European, 0.00051%; no homozygotes.

Submission:

Labcorp Genetics (formerly Invitae), Labcorp
Classification: Uncertain significance for Familial temporal lobe epilepsy 7; Norman-Roberts syndrome. Last evaluated: 2022-08-09. Review status: criteria provided, single submitter. Criteria: Invitae Variant Classification Sherloc (09022015). Collection method: clinical testing. Allele origin: germline.
Comment: In summary, the available evidence is currently insufficient to determine the role of this variant in disease. Therefore, it has been classified as a Variant of Uncertain Significance. Variants that disrupt the consensus splice site are a relatively common cause of aberrant splicing (PMID: 17576681, 9536098). Algorithms developed to predict the effect of sequence changes on RNA splicing suggest that this variant is not likely to affect RNA splicing. ClinVar contains an entry for this variant (Variation ID: 1056641). This variant has not been reported in the literature in individuals affected with RELN-related conditions. This variant is present in population databases (no rsID available, gnomAD 0.0009%). This sequence change falls in intron 61 of the RELN gene. It does not directly change the encoded amino acid sequence of the RELN protein. It affects a nucleotide within the consensus splice site.

Literature cited by the submitters: PubMed 17576681; PubMed 9536098.